The following is an entry in ClinVar:

NM_000170.3(GLDC):c.1570G>C (p.Val524Leu)

Gene: GLDC (glycine decarboxylase; minus strand). Cytogenetic location: 9p24.1.
Variant type: single nucleotide variant.
Coding change: c.1570G>C on transcript NM_000170.3 (MANE Select); coding-DNA position 1570, G replaced by C.
Protein change: p.Val524Leu; replaces valine 524 with leucine.
Molecular consequence: missense variant.
Genome position (GRCh38, 1-based): chr9:6,589,205, C>G on the plus strand (G>C on the coding strand, the complement: GLDC is on the minus strand). VCF-style: chr9-6589205-C-G. GRCh37 (hg19) VCF-style: chr9-6589205-C-G.
Other names: short protein forms V524L.
Identifiers: ClinVar variation 557746 (VCV000557746.13), dbSNP rs751362463, ClinGen allele CA4980650.

ClinVar aggregate classification (germline): Uncertain significance. Review status: criteria provided, single submitter (1 of 4 stars). 3 submissions from 3 submitters: Uncertain significance (1). 2 of the submissions do not count toward it. Last evaluated 2024-12-03.

Conditions:
Glycine encephalopathy 1 (GCE1). Identifiers: MedGen CN376801, MONDO:0958179, OMIM 605899.
Glycine encephalopathy. Also called: Non-ketotic hyperglycinemia; Nonketotic hyperglycinemia. Identifiers: Orphanet 407, MedGen C0751748, MONDO:0011612, HP:0008288.

Allele frequency attached by ClinVar (database versions not stated): gnomAD 0.00001; TOPMed 0.00001.
gnomAD v4.1: 9 of 1,593,222 alleles (0.00056%); highest among the groups gnomAD compares: Admixed American, 0.005%; no homozygotes.

Submissions (3):

Labcorp Genetics (formerly Invitae), Labcorp
Classification: Uncertain significance for Glycine encephalopathy. Last evaluated: 2024-12-03. Review status: criteria provided, single submitter. Criteria: Invitae Variant Classification Sherloc (09022015). Collection method: clinical testing. Allele origin: germline.
Comment: This sequence change replaces valine, which is neutral and non-polar, with leucine, which is neutral and non-polar, at codon 524 of the GLDC protein (p.Val524Leu). This variant is present in population databases (rs751362463, gnomAD 0.006%). This missense change has been observed in individual(s) with clinical features of glycine encephalopathy and/or spina bifida (PMID: 22171071; internal data). In at least one individual the data is consistent with being in trans (on the opposite chromosome) from a pathogenic variant. ClinVar contains an entry for this variant (Variation ID: 557746). Invitae Evidence Modeling of protein sequence and biophysical properties (such as structural, functional, and spatial information, amino acid conservation, physicochemical variation, residue mobility, and thermodynamic stability) indicates that this missense variant is not expected to disrupt GLDC protein function with a negative predictive value of 80%. Experimental studies have shown that this missense change affects GLDC function (PMID: 22171071). In summary, the available evidence is currently insufficient to determine the role of this variant in disease. Therefore, it has been classified as a Variant of Uncertain Significance.

Natera, Inc.
Classification: Uncertain significance for Non-ketotic hyperglycinemia. Last evaluated: 2020-02-29. Review status: no assertion criteria provided. Collection method: clinical testing. Allele origin: germline. Not counted in ClinVar's aggregate classification.

Counsyl
Classification: Uncertain significance for Glycine encephalopathy 1. Last evaluated: 2018-04-10. Review status: no assertion criteria provided. Collection method: clinical testing. Allele origin: unknown. Not counted in ClinVar's aggregate classification.

Literature cited by the submitters: PubMed 22171071 (cited by Labcorp Genetics (formerly Invitae), Labcorp and Counsyl).